The following is an entry in ClinVar:

ClinVar aggregate classification (germline): Likely benign (1 of 4 stars; one submission).

gnomAD v4.1: 20 of 1,614,090 alleles (0.0012%); highest among the groups gnomAD compares: Non-Finnish European, 0.0015%; no homozygotes.

Submission:

CeGaT Center for Human Genetics Tuebingen
Classification: Likely benign. Last evaluated: 2024-10-01. Review status: criteria provided, single submitter. Criteria: CeGaT Center For Human Genetics Tuebingen Variant Classification Criteria Version 2. Collection method: clinical testing. Allele origin: germline. Affected: yes. Observed: 1 variant allele.
Comment: TTI1: BP4, BP7

NM_001303457.2(TTI1):c.2928C>T (p.His976=)

Gene: TTI1 (TELO2 interacting protein 1; minus strand). Cytogenetic location: 20q11.23.
Variant type: single nucleotide variant.
Coding change: c.2928C>T on transcript NM_001303457.2 (MANE Select); coding-DNA position 2928, C replaced by T.
Protein change: p.His976=; no amino-acid change (histidine 976 retained).
Molecular consequence: synonymous variant.
Genome position (GRCh38, 1-based): chr20:37,996,819, G>A on the plus strand (C>T on the coding strand, the complement: TTI1 is on the minus strand). VCF-style: chr20-37996819-G-A. GRCh37 (hg19) VCF-style: chr20-36625221-G-A.
Other names: c.2928C>T, p.His976= (NM_014657.3).
Identifiers: ClinVar variation 3388796 (VCV003388796.14).